The following is an entry in ClinVar:

ClinVar aggregate classification (germline): Uncertain significance (0 of 4 stars; one submission).

Conditions:
MESP1-related disorder. Also called: MESP1-related condition.

Submission:

PreventionGenetics, part of Exact Sciences
Classification: Uncertain significance for MESP1-related condition. Last evaluated: 2023-10-20. Review status: no assertion criteria provided. Collection method: clinical testing. Allele origin: germline.
Comment: The MESP1 c.746C>T variant is predicted to result in the amino acid substitution p.Ala249Val. To our knowledge, this variant has not been reported in the literature or in a large population database, indicating this variant is rare. At this time, the clinical significance of this variant is uncertain due to the absence of conclusive functional and genetic evidence.

NM_018670.4(MESP1):c.746C>T (p.Ala249Val)

Gene: MESP1 (mesoderm posterior bHLH transcription factor 1; minus strand). Cytogenetic location: 15q26.1.
Variant type: single nucleotide variant.
Coding change: c.746C>T on transcript NM_018670.4 (MANE Select); coding-DNA position 746, C replaced by T.
Protein change: p.Ala249Val; replaces alanine 249 with valine.
Molecular consequence: missense variant.
Genome position (GRCh38, 1-based): chr15:89,750,205, G>A on the plus strand (C>T on the coding strand, the complement: MESP1 is on the minus strand). VCF-style: chr15-89750205-G-A. GRCh37 (hg19) VCF-style: chr15-90293436-G-A.
Other names: short protein forms A249V.
Identifiers: ClinVar variation 3030080 (VCV003030080.2), dbSNP rs1968055220, ClinGen allele CA393784672.